The following is an entry in ClinVar:

ClinVar aggregate classification (germline): Uncertain significance (1 of 4 stars; one submission).

Conditions:
Hereditary cancer-predisposing syndrome. Also called: Neoplastic Syndromes, Hereditary; Tumor predisposition; Hereditary Cancer Syndrome; Hereditary neoplastic syndrome. Identifiers: Orphanet 140162, MedGen C0027672, MeSH D009386, MONDO:0015356.

Submission:

Ambry Genetics
Classification: Uncertain significance for Hereditary cancer-predisposing syndrome. Last evaluated: 2024-08-06. Review status: criteria provided, single submitter. Criteria: Ambry Variant Classification Scheme 2023. Collection method: clinical testing. Allele origin: germline.
Comment: The p.V543I variant (also known as c.1627G>A) is located in coding exon 13 of the APC gene. The valine at codon 543 is replaced by isoleucine, an amino acid with highly similar properties. This change occurs in the first base pair of coding exon 13. This amino acid position is highly conserved in available vertebrate species. Based on the available evidence, the clinical significance of this variant remains unclear.

NM_000038.6(APC):c.1627G>A (p.Val543Ile)

Gene: APC (APC regulator of Wnt signaling pathway; plus strand). Cytogenetic location: 5q22.2.
Variant type: single nucleotide variant.
Coding change: c.1627G>A on transcript NM_000038.6 (MANE Select); coding-DNA position 1627, G replaced by A.
Protein change: p.Val543Ile; replaces valine 543 with isoleucine.
Molecular consequence: missense variant.
Genome position (GRCh38, 1-based): chr5:112,828,856, G>A. VCF-style: chr5-112828856-G-A. GRCh37 (hg19) VCF-style: chr5-112164553-G-A.
Other names: c.1627G>A, p.Val543Ile (NM_001127510.3, NM_001354895.2, NM_001407450.1); c.1573G>A, p.Val525Ile (NM_001127511.3); c.1681G>A, p.Val561Ile (NM_001354896.2, NM_001407447.1, NM_001407448.1 and 1 more transcripts); c.1657G>A, p.Val553Ile (NM_001354897.2); c.1552G>A, p.Val518Ile (NM_001354898.2); c.1543G>A, p.Val515Ile (NM_001354899.2); c.1504G>A, p.Val502Ile (NM_001354900.2); c.1450G>A, p.Val484Ile (NM_001354901.2, NM_001407453.1); and 11 more; short protein forms V452I, V502I, V515I, V525I, V533I, V417I, V442I, V460I.
Identifiers: ClinVar variation 3409712 (VCV003409712.1).
Genomic context (GRCh38, chr5:112,828,856, plus strand): 5'-ACAAAAAAGCAACTAGTATGATTTTATGTATAAATTAATCTAAAATTGATTAATTTGCAG[G>A]TTATTGCGAGTGTTTTGAGGAATTTGTCTTGGCGAGCAGATGTAAATAGTAAAAAGACGT-3'
Protein context (NP_000029.2, residues 533-553): LKSESEDLQQ[Val543Ile]IASVLRNLSW